The following is an entry in ClinVar:

ClinVar aggregate classification (germline): Uncertain significance. Review status: criteria provided, multiple submitters, no conflicts (2 of 4 stars). 3 submissions from 3 submitters: Uncertain significance (2). 1 of the submissions does not count toward it. Last evaluated 2025-01-27.

Conditions:
Inborn genetic diseases. Identifiers: MedGen C0950123, MeSH D030342.
Neuronal ceroid lipofuscinosis 8 (CLN8). Also called: CLN8-Related Neuronal Ceroid-Lipofuscinosis. Identifiers: Orphanet 168491, Orphanet 228354, Orphanet 79264, MedGen C1838570, MONDO:0010830, OMIM 600143.
Neuronal ceroid lipofuscinosis. Also called: Neuronal Ceroid Lipofuscinoses. Identifiers: Orphanet 216, Orphanet 79263, MedGen C0027877, MONDO:0016295. Disease mechanism: loss of function.

Allele frequency attached by ClinVar (database versions not stated): gnomAD 0.00001; TOPMed 0.00001.

Submissions (3):

Labcorp Genetics (formerly Invitae), Labcorp
Classification: Uncertain significance for Neuronal ceroid lipofuscinosis. Last evaluated: 2025-01-27. Review status: criteria provided, single submitter. Criteria: Invitae Variant Classification Sherloc (09022015). Collection method: clinical testing. Allele origin: germline.
Comment: This sequence change replaces alanine, which is neutral and non-polar, with threonine, which is neutral and polar, at codon 80 of the CLN8 protein (p.Ala80Thr). This variant is present in population databases (no rsID available, gnomAD 0.004%). This variant has not been reported in the literature in individuals affected with CLN8-related conditions. ClinVar contains an entry for this variant (Variation ID: 1007358). Invitae Evidence Modeling of protein sequence and biophysical properties (such as structural, functional, and spatial information, amino acid conservation, physicochemical variation, residue mobility, and thermodynamic stability) has been performed for this missense variant. However, the output from this modeling did not meet the statistical confidence thresholds required to predict the impact of this variant on CLN8 protein function. In summary, the available evidence is currently insufficient to determine the role of this variant in disease. Therefore, it has been classified as a Variant of Uncertain Significance.

Ambry Genetics
Classification: Uncertain significance for Inborn genetic diseases. Last evaluated: 2021-11-15. Review status: criteria provided, single submitter. Criteria: Ambry Variant Classification Scheme 2023. Collection method: clinical testing. Allele origin: germline.

Natera, Inc.
Classification: Uncertain significance for Neuronal ceroid lipofuscinosis 8. Last evaluated: 2021-06-21. Review status: no assertion criteria provided. Collection method: clinical testing. Allele origin: germline. Not counted in ClinVar's aggregate classification.

NM_018941.4(CLN8):c.238G>A (p.Ala80Thr)

Gene: CLN8 (CLN8 transmembrane ER and ERGIC protein; plus strand). Cytogenetic location: 8p23.3.
Variant type: single nucleotide variant.
Coding change: c.238G>A on transcript NM_018941.4 (MANE Select); coding-DNA position 238, G replaced by A.
Protein change: p.Ala80Thr; replaces alanine 80 with threonine.
Molecular consequence: missense variant.
Genome position (GRCh38, 1-based): chr8:1,771,292, G>A. VCF-style: chr8-1771292-G-A. GRCh37 (hg19) VCF-style: chr8-1719458-G-A.
Other names: c.238G>A (NM_018941.3); short protein forms A80T.
Identifiers: ClinVar variation 1007358 (VCV001007358.6), dbSNP rs998922998, ClinGen allele CA170445699.